The following is an entry in ClinVar:

NM_001042492.3(NF1):c.6007-1G>T

Gene: NF1 (neurofibromin 1; plus strand). Cytogenetic location: 17q11.2.
Variant type: single nucleotide variant.
Coding change: c.6007-1G>T on transcript NM_001042492.3 (MANE Select); the canonical splice acceptor site of the intron before coding-DNA position 6007, G replaced by T.
Molecular consequence: splice acceptor variant.
Genome position (GRCh38, 1-based): chr17:31,336,332, G>T. VCF-style: chr17-31336332-G-T. GRCh37 (hg19) VCF-style: chr17-29663350-G-T.
Other names: c.5944-1G>T (NM_000267.4).
Identifiers: ClinVar variation 1074136 (VCV001074136.10), dbSNP rs1555534596, ClinGen allele CA399010994.

ClinVar aggregate classification (germline): Pathogenic/Likely pathogenic. Review status: criteria provided, multiple submitters, no conflicts (2 of 4 stars). 2 submissions from 2 submitters: Pathogenic (1); Likely pathogenic (1). Last evaluated 2022-08-04.

Conditions:
Neurofibromatosis, type 1 (NF1). Also called: VON RECKLINGHAUSEN DISEASE; Peripheral type neurofibromatosis; NEUROFIBROMATOSIS, TYPE I, SOMATIC; Neurofibromatosis, type I. Identifiers: Orphanet 636, MedGen C0027831, MONDO:0018975, OMIM 162200. Disease mechanism: loss of function.

Submissions (3):

GeneDx
Classification: Likely pathogenic. Last evaluated: 2022-08-04. Review status: criteria provided, single submitter. Criteria: GeneDx Variant Classification Process June 2021. Collection method: clinical testing. Allele origin: germline. Affected: yes.
Comment: Canonical splice site variant expected to result in aberrant splicing, although in the absence of functional evidence the actual effect of this sequence change is unknown.; Not observed at significant frequency in large population cohorts (gnomAD); Observed in individuals with features of neurofibromatosis type 1 (Bianchessi et al., 2015; Melloni et al., 2019); This variant is associated with the following publications: (PMID: 31766501, 26740943, 33084842)

Labcorp Genetics (formerly Invitae), Labcorp
Classification: Pathogenic for Neurofibromatosis, type 1. Last evaluated: 2020-06-04. Review status: criteria provided, single submitter. Criteria: Invitae Variant Classification Sherloc (09022015). Collection method: clinical testing. Allele origin: germline.
Comment: Algorithms developed to predict the effect of sequence changes on RNA splicing suggest that this variant may disrupt the consensus splice site, but this prediction has not been confirmed by published transcriptional studies. This sequence change affects an acceptor splice site in intron 39 of the NF1 gene. It is expected to disrupt RNA splicing and likely results in an absent or disrupted protein product. This variant is not present in population databases (ExAC no frequency). Disruption of this splice site has been observed in individual(s) with NF1-related conditions (PMID: 15060124, 26740943). Donor and acceptor splice site variants typically lead to a loss of protein function (PMID: 16199547), and loss-of-function variants in NF1 are known to be pathogenic (PMID: 10712197, 23913538). For these reasons, this variant has been classified as Pathogenic.

Dr. Peter K. Rogan Lab, Western University
No classification provided (evidence only). Condition: Squamous cell lung carcinoma. Review status: no classification provided. Collection method: in vitro. Allele origin: not applicable. Functional consequence: cryptic splice site. Not counted in ClinVar's aggregate classification.

Literature cited by the submitters: PubMed 15060124 (cited by Labcorp Genetics (formerly Invitae), Labcorp); PubMed 26740943 (cited by Labcorp Genetics (formerly Invitae), Labcorp); PubMed 16199547 (cited by Labcorp Genetics (formerly Invitae), Labcorp); PubMed 10712197 (cited by Labcorp Genetics (formerly Invitae), Labcorp); PubMed 23913538 (cited by Labcorp Genetics (formerly Invitae), Labcorp).